The following is an entry in ClinVar:

ClinVar aggregate classification (germline): Conflicting classifications of pathogenicity. Review status: criteria provided, conflicting classifications (1 of 4 stars). 3 submissions from 3 submitters: Uncertain significance (1); Likely benign (2). Last evaluated 2025-09-02.

Conditions:
HMCN1-related disorder. Also called: HMCN1-related condition.
Age related macular degeneration 1 (ARMD1). Also called: MACULOPATHY, AGE-RELATED, 1. Identifiers: MedGen C1864205, MONDO:0011285, OMIM 603075.

Allele frequency attached by ClinVar (database versions not stated): TOPMed 0.00011; gnomAD 0.00012 and 0.00013; ESP Exome Variant Server 0.00015; gnomAD exomes 0.00022 and 0.00024; ExAC 0.00035.
gnomAD v4.1: 368 of 1,613,962 alleles (0.023%); highest among the groups gnomAD compares: Non-Finnish European, 0.03%; no homozygotes.

Submissions (3):

Labcorp Genetics (formerly Invitae), Labcorp
Classification: Likely benign. Last evaluated: 2025-09-02. Review status: criteria provided, single submitter. Criteria: Invitae Variant Classification Sherloc (09022015). Collection method: clinical testing. Allele origin: germline.

PreventionGenetics, part of Exact Sciences
Classification: Likely benign for HMCN1-related condition. Last evaluated: 2024-11-07. Review status: criteria provided, single submitter. Criteria: ACMG Guidelines, 2015. Collection method: clinical testing. Allele origin: germline.
Comment: This variant is classified as likely benign based on ACMG/AMP sequence variant interpretation guidelines (Richards et al. 2015 PMID: 25741868, with internal and published modifications).

Illumina Laboratory Services, Illumina
Classification: Uncertain significance for Age related macular degeneration 1. Last evaluated: 2018-01-12. Review status: criteria provided, single submitter. Criteria: ICSL Variant Classification Criteria 13 December 2019. Collection method: clinical testing. Allele origin: germline.

NM_031935.3(HMCN1):c.12165T>G (p.Thr4055=)

Gene: HMCN1 (hemicentin 1; plus strand). Cytogenetic location: 1q31.1.
Variant type: single nucleotide variant.
Coding change: c.12165T>G on transcript NM_031935.3 (MANE Select); coding-DNA position 12165, T replaced by G.
Protein change: p.Thr4055=; no amino-acid change (threonine 4055 retained).
Molecular consequence: synonymous variant.
Genome position (GRCh38, 1-based): chr1:186,120,081, T>G. VCF-style: chr1-186120081-T-G. GRCh37 (hg19) VCF-style: chr1-186089213-T-G.
Identifiers: ClinVar variation 294244 (VCV000294244.13), dbSNP rs147891898, ClinGen allele CA1294282.